The following is an entry in ClinVar:

ClinVar aggregate classification (germline): Uncertain significance (1 of 4 stars; one submission).

Submission:

Labcorp Genetics (formerly Invitae), Labcorp
Classification: Uncertain significance. Last evaluated: 2025-07-20. Review status: criteria provided, single submitter. Criteria: Invitae Variant Classification Sherloc (09022015). Collection method: clinical testing. Allele origin: germline.
Comment: This sequence change replaces proline, which is neutral and non-polar, with threonine, which is neutral and polar, at codon 38 of the ACAN protein (p.Pro38Thr). This variant is not present in population databases (gnomAD no frequency). This variant has not been reported in the literature in individuals affected with ACAN-related conditions. Invitae Evidence Modeling of protein sequence and biophysical properties (such as structural, functional, and spatial information, amino acid conservation, physicochemical variation, residue mobility, and thermodynamic stability) indicates that this missense variant is not expected to disrupt ACAN protein function with a negative predictive value of 80%. In summary, the available evidence is currently insufficient to determine the role of this variant in disease. Therefore, it has been classified as a Variant of Uncertain Significance.

NM_001369268.1(ACAN):c.112C>A (p.Pro38Thr)

Gene: ACAN (aggrecan; plus strand). Cytogenetic location: 15q26.1.
Variant type: single nucleotide variant.
Coding change: c.112C>A on transcript NM_001369268.1 (MANE Select); coding-DNA position 112, C replaced by A.
Protein change: p.Pro38Thr; replaces proline 38 with threonine.
Molecular consequence: missense variant.
Genome position (GRCh38, 1-based): chr15:88,838,704, C>A. VCF-style: chr15-88838704-C-A. GRCh37 (hg19) VCF-style: chr15-89381935-C-A.
Other names: c.112C>A, p.Pro38Thr (NM_001135.4, NM_001411096.1, NM_001411097.1 and 1 more transcripts); short protein forms P38T.
Identifiers: ClinVar variation 4726878 (VCV004726878.1).